The following is an entry in ClinVar:

NM_020433.5(JPH2):c.380-6C>T

Gene: JPH2 (junctophilin 2; minus strand). Cytogenetic location: 20q13.12.
Variant type: single nucleotide variant.
Coding change: c.380-6C>T on transcript NM_020433.5 (MANE Select); 6 bases into the intron before coding-DNA position 380, C replaced by T.
Molecular consequence: intron variant.
Genome position (GRCh38, 1-based): chr20:44,160,413, G>A on the plus strand (C>T on the coding strand, the complement: JPH2 is on the minus strand). VCF-style: chr20-44160413-G-A. GRCh37 (hg19) VCF-style: chr20-42789053-G-A.
Other names: p.?.
Identifiers: ClinVar variation 137604 (VCV000137604.38), dbSNP rs201197277, ClinGen allele CA333088.
Genomic context (GRCh38, chr20:44,160,413, plus strand): 5'-TGGCGTACTCCGTAGCCATGGCGCATGCCGTTGGTGAACTGGCCTTGGTACGTCCCTGCG[G>A]GCGAGGAGAGGGCGCGTCAGTAGGCGGCACGACGGGTCCCCGCGTGTGCACGGTGGCCTG-3'

ClinVar aggregate classification (germline): Benign/Likely benign. Review status: criteria provided, multiple submitters, no conflicts (2 of 4 stars). 12 submissions from 12 submitters: Benign (8); Likely benign (1). 3 of the submissions do not count toward it. Last evaluated 2026-02-02.

Conditions:
Hypertrophic cardiomyopathy 17. Identifiers: MedGen C3151264, MONDO:0013474, OMIM 613873.
Hypertrophic cardiomyopathy. Also called: HYPERTROPHIC MYOCARDIOPATHY. Identifiers: Orphanet 217569, MedGen C0007194, MeSH D002312, MONDO:0005045, HP:0001639.

Allele frequency attached by ClinVar (database versions not stated): ESP Exome Variant Server 0.00169; gnomAD 0.00201 and 0.00218; gnomAD exomes 0.00279 and 0.00333; TOPMed 0.00178; 1000 Genomes Project 0.00200; ExAC 0.00414; 1000 Genomes Project 30x 0.00187.
gnomAD v4.1: 5,179 of 1,608,386 alleles (0.32%); highest among the groups gnomAD compares: South Asian, 1.1%; 28 homozygotes.

Submissions (12):

Labcorp Genetics (formerly Invitae), Labcorp
Classification: Benign for Hypertrophic cardiomyopathy. Last evaluated: 2026-02-02. Review status: criteria provided, single submitter. Criteria: Invitae Variant Classification Sherloc (09022015). Collection method: clinical testing. Allele origin: germline.

Molecular Diagnostic Laboratory for Inherited Cardiovascular Disease, Montreal Heart Institute
Classification: Benign. Last evaluated: 2025-04-09. Review status: criteria provided, single submitter. Criteria: ACMG Guidelines, 2015. Collection method: clinical testing. Allele origin: germline. Affected: no.
Comment: BS1;BP6

CeGaT Center for Human Genetics Tuebingen
Classification: Benign. Last evaluated: 2025-02-01. Review status: criteria provided, single submitter. Criteria: CeGaT Center For Human Genetics Tuebingen Variant Classification Criteria Version 2. Collection method: clinical testing. Allele origin: germline. Affected: yes. Observed: 3 variant alleles.
Comment: JPH2: BP4, BS1, BS2

Blueprint Genetics
Classification: Likely benign. Last evaluated: 2024-11-23. Review status: criteria provided, single submitter. Criteria: ACMG Guidelines, 2015. Collection method: clinical testing. Allele origin: germline.

Mayo Clinic Laboratories, Mayo Clinic
Classification: Benign. Last evaluated: 2023-08-04. Review status: criteria provided, single submitter. Criteria: ACMG Guidelines, 2015. Collection method: clinical testing. Allele origin: germline. Observed: 5 variant alleles.
Comment: BS1, BS2, BP4, BP7

Genome Diagnostics Laboratory, University Medical Center Utrecht
Classification: Benign for Hypertrophic cardiomyopathy 17. Last evaluated: 2017-03-02. Review status: criteria provided, single submitter. Criteria: ACGS Guidelines, 2013. Collection method: clinical testing. Allele origin: germline. Affected: yes. Study: VKGL Data-share Consensus.

Clinical Genetics DNA and cytogenetics Diagnostics Lab, Erasmus MC, Erasmus Medical Center
Classification: Benign for Hypertrophic cardiomyopathy 17. Last evaluated: 2015-09-21. Review status: criteria provided, single submitter. Criteria: ACGS Guidelines, 2013. Collection method: clinical testing. Allele origin: germline. Affected: yes. Study: VKGL Data-share Consensus.

Laboratory for Molecular Medicine, Mass General Brigham Personalized Medicine
Classification: Benign. Last evaluated: 2015-04-03. Review status: criteria provided, single submitter. Criteria: LMM Criteria. Collection method: clinical testing. Allele origin: germline. Observed: 4 variant alleles.
Comment: c.380-6C>T in intron 2 of JPH2: This variant is not expected to have clinical si gnificance because a C>T change at this position does not significantly alter th e splice consensus sequence and is not predicted to impact splicing. It has also been identified in 1.42% (171/12072) of South Asian chromosomes and 0.3% of Eur opean chromosomes by the Exome Aggregation Consortium (ExAC; dbSNP rs201197277).

GeneDx
Classification: Benign. Last evaluated: 2014-01-20. Review status: criteria provided, single submitter. Criteria: GeneDx Variant Classification (06012015). Collection method: clinical testing. Allele origin: germline. Affected: yes.
Comment: This variant is considered likely benign or benign based on one or more of the following criteria: it is a conservative change, it occurs at a poorly conserved position in the protein, it is predicted to be benign by multiple in silico algorithms, and/or has population frequency not consistent with disease.

Clinical Genetics, Academic Medical Center
Classification: Benign. Review status: no assertion criteria provided. Collection method: clinical testing. Allele origin: germline. Affected: yes. Study: VKGL Data-share Consensus. Not counted in ClinVar's aggregate classification.

Diagnostic Laboratory, Department of Genetics, University Medical Center Groningen
Classification: Likely benign for Hypertrophic cardiomyopathy 17. Review status: no assertion criteria provided. Collection method: clinical testing. Allele origin: germline. Affected: yes. Study: VKGL Data-share Consensus. Not counted in ClinVar's aggregate classification.

Joint Genome Diagnostic Labs from Nijmegen and Maastricht, Radboudumc and MUMC+
Classification: Benign. Review status: no assertion criteria provided. Collection method: clinical testing. Allele origin: germline. Affected: yes. Study: VKGL Data-share Consensus. Not counted in ClinVar's aggregate classification.